The following is an entry in ClinVar:

NM_000878.5(IL2RB):c.903G>T (p.Gln301His)

Gene: IL2RB (interleukin 2 receptor subunit beta; minus strand). Cytogenetic location: 22q12.3.
Variant type: single nucleotide variant.
Coding change: c.903G>T on transcript NM_000878.5 (MANE Select); coding-DNA position 903, G replaced by T.
Protein change: p.Gln301His; replaces glutamine 301 with histidine.
Molecular consequence: missense variant.
Genome position (GRCh38, 1-based): chr22:37,132,384, C>A on the plus strand (G>T on the coding strand, the complement: IL2RB is on the minus strand). VCF-style: chr22-37132384-C-A. GRCh37 (hg19) VCF-style: chr22-37528424-C-A.
Other names: c.903G>T, p.Gln301His (NM_001346222.1, NM_001346223.2); short protein forms Q301H.
Identifiers: ClinVar variation 2122650 (VCV002122650.4), dbSNP rs2517835783, ClinGen allele CA411426427.

ClinVar aggregate classification (germline): Uncertain significance (1 of 4 stars; one submission).

Submission:

Labcorp Genetics (formerly Invitae), Labcorp
Classification: Uncertain significance. Last evaluated: 2025-01-13. Review status: criteria provided, single submitter. Criteria: Invitae Variant Classification Sherloc (09022015). Collection method: clinical testing. Allele origin: germline.
Comment: This sequence change replaces glutamine, which is neutral and polar, with histidine, which is basic and polar, at codon 301 of the IL2RB protein (p.Gln301His). This variant also falls at the last nucleotide of exon 9, which is part of the consensus splice site for this exon. This variant is not present in population databases (gnomAD no frequency). This variant has not been reported in the literature in individuals affected with IL2RB-related conditions. ClinVar contains an entry for this variant (Variation ID: 2122650). An algorithm developed to predict the effect of missense changes on protein structure and function (PolyPhen-2) suggests that this variant is likely to be disruptive. Variants that disrupt the consensus splice site are a relatively common cause of aberrant splicing (PMID: 17576681, 9536098). Algorithms developed to predict the effect of sequence changes on RNA splicing suggest that this variant may disrupt the consensus splice site. In summary, the available evidence is currently insufficient to determine the role of this variant in disease. Therefore, it has been classified as a Variant of Uncertain Significance.

Literature cited by the submitters: PubMed 17576681; PubMed 9536098.